The following is an entry in ClinVar:

NM_024642.5(GALNT12):c.347G>A (p.Arg116His)

Gene: GALNT12 (polypeptide N-acetylgalactosaminyltransferase 12; plus strand). Cytogenetic location: 9q22.33.
Variant type: single nucleotide variant.
Coding change: c.347G>A on transcript NM_024642.5 (MANE Select); coding-DNA position 347, G replaced by A.
Protein change: p.Arg116His; replaces arginine 116 with histidine.
Molecular consequence: missense variant.
Genome position (GRCh38, 1-based): chr9:98,808,045, G>A. VCF-style: chr9-98808045-G-A. GRCh37 (hg19) VCF-style: chr9-101570327-G-A.
Other names: short protein forms R116H.
Identifiers: ClinVar variation 1731837 (VCV001731837.3), dbSNP rs1421429267, ClinGen allele CA374223095.
Genomic context (GRCh38, chr9:98,808,045, plus strand): 5'-AGAGCGTGCGGCTGCACCAGATTAACATCTACCTCAGCGACCGCATCTCACTGCACCGCC[G>A]CCTGCCCGAGCGCTGGAACCCGCTGTGAGTGCACAGCTCTGGGGAGGAAGCCCGCCCTCA-3'
Protein context (NP_078918.3, residues 106-126): YLSDRISLHR[Arg116His]LPERWNPLCK

ClinVar aggregate classification (germline): Uncertain significance (1 of 4 stars; one submission).

gnomAD v4.1: 2 of 1,580,566 alleles (0.00013%); highest among the groups gnomAD compares: East Asian, 0.0023%; no homozygotes.

Submission:

Ambry Genetics
Classification: Uncertain significance. Last evaluated: 2025-07-03. Review status: criteria provided, single submitter. Criteria: Ambry Variant Classification Scheme 2023. Collection method: clinical testing. Allele origin: germline.
Comment: The p.R116H variant (also known as c.347G>A), located in coding exon 1 of the GALNT12 gene, results from a G to A substitution at nucleotide position 347. The arginine at codon 116 is replaced by histidine, an amino acid with highly similar properties. This amino acid position is conserved. In addition, this alteration is predicted to be tolerated by in silico analysis. Since supporting evidence is limited at this time, the clinical significance of this alteration remains unclear.